The following is an entry in ClinVar:

ClinVar aggregate classification (germline): Benign/Likely benign. Review status: criteria provided, multiple submitters, no conflicts (2 of 4 stars). 2 submissions from 2 submitters: Benign (1); Likely benign (1). Last evaluated 2026-05-01.

Allele frequency attached by ClinVar (database versions not stated): gnomAD 0.00018 and 0.00031; TOPMed 0.00018; gnomAD exomes 0.00024 and 0.00043; ExAC 0.00056; 1000 Genomes Project 30x 0.00187; 1000 Genomes Project 0.00220.
gnomAD v4.1: 378 of 1,558,682 alleles (0.024%); highest among the groups gnomAD compares: East Asian, 0.86%; 1 homozygote.

Submissions (2):

CeGaT Center for Human Genetics Tuebingen
Classification: Likely benign. Last evaluated: 2026-05-01. Review status: criteria provided, single submitter. Criteria: CeGaT Center For Human Genetics Tuebingen Variant Classification Criteria Version 2. Collection method: clinical testing. Allele origin: germline. Affected: yes. Observed: 2 variant alleles.
Comment: MYT1L: BS1

GeneDx
Classification: Benign. Last evaluated: 2021-04-06. Review status: criteria provided, single submitter. Criteria: GeneDx Variant Classification Process June 2021. Collection method: clinical testing. Allele origin: germline. Affected: yes.

NM_001303052.2(MYT1L):c.229C>A (p.Pro77Thr)

Gene: MYT1L (myelin transcription factor 1 like; minus strand). Cytogenetic location: 2p25.3.
Variant type: single nucleotide variant.
Coding change: c.229C>A on transcript NM_001303052.2 (MANE Select); coding-DNA position 229, C replaced by A.
Protein change: p.Pro77Thr; replaces proline 77 with threonine.
Molecular consequence: missense variant.
Genome position (GRCh38, 1-based): chr2:1,943,258, G>T on the plus strand (C>A on the coding strand, the complement: MYT1L is on the minus strand). VCF-style: chr2-1943258-G-T. GRCh37 (hg19) VCF-style: chr2-1947030-G-T.
Other names: c.229C>A, p.Pro77Thr (NM_001329845.1, NM_001329846.3, NM_001329847.2 and 6 more transcripts); short protein forms P77T.
Identifiers: ClinVar variation 1269909 (VCV001269909.25), dbSNP rs577259113, ClinGen allele CA1514427.